The following is an entry in ClinVar:

NM_005732.4(RAD50):c.1364A>G (p.Asn455Ser)

Gene: RAD50 (RAD50 double strand break repair protein; plus strand). Cytogenetic location: 5q31.1.
Variant type: single nucleotide variant.
Coding change: c.1364A>G on transcript NM_005732.4 (MANE Select); coding-DNA position 1364, A replaced by G.
Protein change: p.Asn455Ser; replaces asparagine 455 with serine.
Molecular consequence: missense variant.
Genome position (GRCh38, 1-based): chr5:132,589,749, A>G. VCF-style: chr5-132589749-A-G. GRCh37 (hg19) VCF-style: chr5-131925441-A-G.
Other names: short protein forms N455S.
Identifiers: ClinVar variation 849302 (VCV000849302.11), dbSNP rs777486934, ClinGen allele CA3405160.
Genomic context (GRCh38, chr5:132,589,749, plus strand): 5'-AGAAAACTGGACTGGGAAGAATAATTGAGTTAAAATCAGAAATCCTAAGTAAGAAGCAGA[A>G]TGAGCTGAAAAATGTGAAGTATGAATTACAGCAGTTGGAAGGATCTTCAGACAGGATTCT-3'
Protein context (NP_005723.2, residues 445-465): LKSEILSKKQ[Asn455Ser]ELKNVKYELQ

ClinVar aggregate classification (germline): Uncertain significance. Review status: criteria provided, multiple submitters, no conflicts (2 of 4 stars). 2 submissions from 2 submitters: Uncertain significance (2). Last evaluated 2024-03-25.

Conditions:
Hereditary cancer-predisposing syndrome. Also called: Tumor predisposition; Neoplastic Syndromes, Hereditary; Hereditary neoplastic syndrome; Hereditary Cancer Syndrome. Identifiers: Orphanet 140162, MedGen C0027672, MeSH D009386, MONDO:0015356.

Allele frequency attached by ClinVar (database versions not stated): gnomAD exomes below 0.00001; ExAC 0.00001.

Submissions (2):

Ambry Genetics
Classification: Uncertain significance for Hereditary cancer-predisposing syndrome. Last evaluated: 2024-03-25. Review status: criteria provided, single submitter. Criteria: Ambry Variant Classification Scheme 2023. Collection method: clinical testing. Allele origin: germline.
Comment: The p.N455S variant (also known as c.1364A>G), located in coding exon 9 of the RAD50 gene, results from an A to G substitution at nucleotide position 1364. The asparagine at codon 455 is replaced by serine, an amino acid with highly similar properties. This amino acid position is conserved. In addition, this alteration is predicted to be tolerated by in silico analysis. Based on the available evidence, the clinical significance of this alteration remains unclear.

Labcorp Genetics (formerly Invitae), Labcorp
Classification: Uncertain significance for Hereditary cancer-predisposing syndrome. Last evaluated: 2023-07-07. Review status: criteria provided, single submitter. Criteria: Invitae Variant Classification Sherloc (09022015). Collection method: clinical testing. Allele origin: germline.
Comment: In summary, the available evidence is currently insufficient to determine the role of this variant in disease. Therefore, it has been classified as a Variant of Uncertain Significance. Advanced modeling of protein sequence and biophysical properties (such as structural, functional, and spatial information, amino acid conservation, physicochemical variation, residue mobility, and thermodynamic stability) performed at Invitae indicates that this missense variant is not expected to disrupt RAD50 protein function. ClinVar contains an entry for this variant (Variation ID: 849302). This variant has not been reported in the literature in individuals affected with RAD50-related conditions. This variant is present in population databases (rs777486934, gnomAD 0.003%). This sequence change replaces asparagine, which is neutral and polar, with serine, which is neutral and polar, at codon 455 of the RAD50 protein (p.Asn455Ser).